The following is an entry in ClinVar:

NM_003073.5(SMARCB1):c.233-2A>G

Gene: SMARCB1 (SWI/SNF related BAF chromatin remodeling complex subunit B1; plus strand). Cytogenetic location: 22q11.23.
Variant type: single nucleotide variant.
Coding change: c.233-2A>G on transcript NM_003073.5 (MANE Select); the canonical splice acceptor site of the intron before coding-DNA position 233, A replaced by G.
Molecular consequence: splice acceptor variant.
Genome position (GRCh38, 1-based): chr22:23,793,557, A>G. VCF-style: chr22-23793557-A-G. GRCh37 (hg19) VCF-style: chr22-24135744-A-G.
Other names: c.233-2A>G (NM_001362877.2); c.206-2A>G (NM_001317946.2, NM_001007468.3).
Identifiers: ClinVar variation 581570 (VCV000581570.7), dbSNP rs1568937087, ClinGen allele CA410933576.

ClinVar aggregate classification (germline): Likely pathogenic (1 of 4 stars; one submission).

Submission:

Labcorp Genetics (formerly Invitae), Labcorp
Classification: Likely pathogenic. Last evaluated: 2024-11-16. Review status: criteria provided, single submitter. Criteria: Invitae Variant Classification Sherloc (09022015). Collection method: clinical testing. Allele origin: germline.
Comment: This sequence change affects an acceptor splice site in intron 2 of the SMARCB1 gene. It is expected to disrupt RNA splicing. Variants that disrupt the donor or acceptor splice site typically lead to a loss of protein function (PMID: 16199547), and loss-of-function variants in SMARCB1 are known to be pathogenic (PMID: 10521299, 21208904). This variant is not present in population databases (gnomAD no frequency). This variant has not been reported in the literature in individuals affected with SMARCB1-related conditions. ClinVar contains an entry for this variant (Variation ID: 581570). Algorithms developed to predict the effect of sequence changes on RNA splicing suggest that this variant may disrupt the consensus splice site. In summary, the currently available evidence indicates that the variant is pathogenic, but additional data are needed to prove that conclusively. Therefore, this variant has been classified as Likely Pathogenic.

Literature cited by the submitters: PubMed 16199547; PubMed 10521299; PubMed 21208904.